The following is an entry in ClinVar:

ClinVar aggregate classification (germline): Likely pathogenic (0 of 4 stars; one submission).

Conditions:
ABCB6-related disorder. Also called: ABCB6-related condition.

Submission:

PreventionGenetics, part of Exact Sciences
Classification: Likely pathogenic for ABCB6-related condition. Last evaluated: 2024-07-23. Review status: no assertion criteria provided. Collection method: clinical testing. Allele origin: germline.
Comment: The ABCB6 c.1589_1590delAT variant is predicted to result in a frameshift and premature protein termination (p.Tyr530Cysfs*30). To our knowledge, this variant has not been reported in the literature. This variant is reported in 0.0029% of alleles in individuals of Latino descent in gnomAD. Frameshift variants in ABCB6 are expected to be pathogenic for autosomal recessive Langereis system blood group (OMIM #111600) but their relevance to autosomal dominant disease is unclear. This variant is interpreted as likely pathogenic for autosomal recessive disease.

NM_005689.4(ABCB6):c.1589_1590del (p.Tyr530fs)

Gene: ABCB6 (ATP binding cassette subfamily B member 6 (LAN blood group); minus strand). Cytogenetic location: 2q35.
Variant type: Deletion.
Coding change: c.1589_1590del on transcript NM_005689.4 (MANE Select); coding-DNA positions 1589 to 1590, 2 bases deleted (AT; older notation c.1589_1590delAT).
Protein change: p.Tyr530fs; shifts the reading frame from tyrosine 530.
Molecular consequence: frameshift variant.
Genome position (GRCh38, 1-based): chr2:219,213,655-219,213,656, AT deleted on the plus strand (AT on the coding strand, the reverse complement: ABCB6 is on the minus strand); deleting any 2 consecutive bases within chr2:219,213,655-219,213,657 gives the same sequence; the c. name uses the placement nearest the transcript's 3' end. VCF-style (leftmost placement, unchanged base first): chr2-219213654-CAT-C. GRCh37 (hg19) VCF-style: chr2-220078376-CAT-C.
Other names: c.1451_1452del, p.Tyr484fs (NM_001349828.2); short protein forms Y484fs, Y530fs.
Identifiers: ClinVar variation 3357313 (VCV003357313.1).